The following is an entry in ClinVar:

ClinVar aggregate classification (germline): Likely benign. Review status: criteria provided, multiple submitters, no conflicts (2 of 4 stars). 2 submissions from 2 submitters: Likely benign (2). Last evaluated 2026-07-01.

Conditions:
Early-infantile DEE. Also called: Ohtahara syndrome; Early infantile epileptic encephalopathy; Early infantile epileptic encephalopathy with suppression bursts. Identifiers: Orphanet 1934, MedGen C0393706, MONDO:0800491.

Allele frequency attached by ClinVar (database versions not stated): gnomAD exomes below 0.00001; TOPMed below 0.00001.

Submissions (2):

CeGaT Center for Human Genetics Tuebingen
Classification: Likely benign. Last evaluated: 2026-07-01. Review status: criteria provided, single submitter. Criteria: CeGaT Center For Human Genetics Tuebingen Variant Classification Criteria Version 2. Collection method: clinical testing. Allele origin: germline. Affected: yes. Observed: 2 variant alleles.
Comment: SLC25A22: BP4, BP7

Labcorp Genetics (formerly Invitae), Labcorp
Classification: Likely benign for Early-infantile DEE. Last evaluated: 2025-05-20. Review status: criteria provided, single submitter. Criteria: Invitae Variant Classification Sherloc (09022015). Collection method: clinical testing. Allele origin: germline.

NM_001191061.2(SLC25A22):c.732C>T (p.Asn244=)

Gene: SLC25A22 (solute carrier family 25 member 22; minus strand). Cytogenetic location: 11p15.5.
Variant type: single nucleotide variant.
Coding change: c.732C>T on transcript NM_001191061.2 (MANE Select); coding-DNA position 732, C replaced by T.
Protein change: p.Asn244=; no amino-acid change (asparagine 244 retained).
Molecular consequence: synonymous variant.
Genome position (GRCh38, 1-based): chr11:792,314, G>A on the plus strand (C>T on the coding strand, the complement: SLC25A22 is on the minus strand). VCF-style: chr11-792314-G-A. GRCh37 (hg19) VCF-style: chr11-792314-G-A.
Other names: c.732C>T, p.Asn244= (NM_001191060.2, NM_024698.6).
Identifiers: ClinVar variation 2641092 (VCV002641092.27), dbSNP rs1864567354, ClinGen allele CA472438613.